The following is an entry in ClinVar:

ClinVar aggregate classification (germline): Uncertain significance (1 of 4 stars; one submission).

Allele frequency attached by ClinVar (database versions not stated): gnomAD exomes 0.00001 and 0.00002; TOPMed 0.00001; ExAC 0.00002.
gnomAD v4.1: 18 of 1,614,196 alleles (0.0011%); highest among the groups gnomAD compares: Admixed American, 0.012%; no homozygotes.

Submission:

Labcorp Genetics (formerly Invitae), Labcorp
Classification: Uncertain significance. Last evaluated: 2025-04-21. Review status: criteria provided, single submitter. Criteria: Invitae Variant Classification Sherloc (09022015). Collection method: clinical testing. Allele origin: germline.
Comment: This sequence change replaces methionine, which is neutral and non-polar, with valine, which is neutral and non-polar, at codon 696 of the ERCC3 protein (p.Met696Val). This variant is present in population databases (rs770220564, gnomAD 0.02%). This variant has not been reported in the literature in individuals affected with ERCC3-related conditions. ClinVar contains an entry for this variant (Variation ID: 1436646). Invitae Evidence Modeling of protein sequence and biophysical properties (such as structural, functional, and spatial information, amino acid conservation, physicochemical variation, residue mobility, and thermodynamic stability) indicates that this missense variant is not expected to disrupt ERCC3 protein function with a negative predictive value of 80%. In summary, the available evidence is currently insufficient to determine the role of this variant in disease. Therefore, it has been classified as a Variant of Uncertain Significance.

NM_000122.2(ERCC3):c.2086A>G (p.Met696Val)

Gene: ERCC3 (ERCC excision repair 3, TFIIH core complex helicase subunit; minus strand). Cytogenetic location: 2q14.3.
Variant type: single nucleotide variant.
Coding change: c.2086A>G on transcript NM_000122.2 (MANE Select); coding-DNA position 2086, A replaced by G.
Protein change: p.Met696Val; replaces methionine 696 with valine.
Molecular consequence: missense variant.
Genome position (GRCh38, 1-based): chr2:127,259,427, T>C on the plus strand (A>G on the coding strand, the complement: ERCC3 is on the minus strand). VCF-style: chr2-127259427-T-C. GRCh37 (hg19) VCF-style: chr2-128017003-T-C.
Other names: c.1894A>G, p.Met632Val (NM_001303416.2, NM_001303418.2); short protein forms M632V, M696V.
Identifiers: ClinVar variation 1436646 (VCV001436646.6), dbSNP rs770220564, ClinGen allele CA1858088.